The following is an entry in ClinVar:

NM_002397.5(MEF2C):c.664T>C (p.Ser222Pro)

Gene: MEF2C (myocyte enhancer factor 2C; minus strand). Cytogenetic location: 5q14.3.
Variant type: single nucleotide variant.
Coding change: c.664T>C on transcript NM_002397.5 (MANE Select); coding-DNA position 664, T replaced by C.
Protein change: p.Ser222Pro; replaces serine 222 with proline.
Molecular consequence: missense variant.
Genome position (GRCh38, 1-based): chr5:88,731,875, A>G on the plus strand (T>C on the coding strand, the complement: MEF2C is on the minus strand). VCF-style: chr5-88731875-A-G. GRCh37 (hg19) VCF-style: chr5-88027692-A-G.
Other names: c.664T>C, p.Ser222Pro (NM_001364346.2, NM_001364347.2, NM_001364348.2 and 18 more transcripts); c.658T>C, p.Ser220Pro (NM_001364352.2, NM_001364343.2, NM_001131005.2); c.286T>C, p.Ser96Pro (NM_001364353.2, NM_001364356.2); c.520T>C, p.Ser174Pro (NM_001364354.2, NM_001364355.2, NM_001364344.2 and 3 more transcripts); c.718T>C, p.Ser240Pro (NM_001364338.2, NM_001193347.1); c.238T>C, p.Ser80Pro (NM_001364357.2); short protein forms S80P, S96P, S222P, S174P, S220P, S240P.
Identifiers: ClinVar variation 2717289 (VCV002717289.3), dbSNP rs2547087357, ClinGen allele CA360423472.

ClinVar aggregate classification (germline): Uncertain significance (1 of 4 stars; one submission).

Conditions:
Neurodevelopmental disorder with hypotonia, stereotypic hand movements, and impaired language. Also called: Intellectual disability, autosomal dominant 20. Identifiers: Orphanet 228384, Orphanet 664410, MedGen C3150700, MONDO:0013266, OMIM 613443.

Allele frequency attached by ClinVar (database versions not stated): gnomAD exomes below 0.00001.
gnomAD v4.1: 1 of 1,612,896 alleles (0.000062%); highest among the groups gnomAD compares: Non-Finnish European, 0.000085%; no homozygotes.

Submission:

Labcorp Genetics (formerly Invitae), Labcorp
Classification: Uncertain significance for Neurodevelopmental disorder with hypotonia, stereotypic hand movements, and impaired language. Last evaluated: 2023-06-16. Review status: criteria provided, single submitter. Criteria: Invitae Variant Classification Sherloc (09022015). Collection method: clinical testing. Allele origin: germline.
Comment: In summary, the available evidence is currently insufficient to determine the role of this variant in disease. Therefore, it has been classified as a Variant of Uncertain Significance. This variant has not been reported in the literature in individuals affected with MEF2C-related conditions. Advanced modeling of protein sequence and biophysical properties (such as structural, functional, and spatial information, amino acid conservation, physicochemical variation, residue mobility, and thermodynamic stability) has been performed at Invitae for this missense variant, however the output from this modeling did not meet the statistical confidence thresholds required to predict the impact of this variant on MEF2C protein function. This sequence change replaces serine, which is neutral and polar, with proline, which is neutral and non-polar, at codon 222 of the MEF2C protein (p.Ser222Pro). This variant is not present in population databases (gnomAD no frequency).